The following is an entry in ClinVar:

NM_017909.4(RMND1):c.1323G>A (p.Met441Ile)

Gene: RMND1 (required for meiotic nuclear division 1 homolog; minus strand). Cytogenetic location: 6q25.1.
Variant type: single nucleotide variant.
Coding change: c.1323G>A on transcript NM_017909.4 (MANE Select); coding-DNA position 1323, G replaced by A.
Protein change: p.Met441Ile; replaces methionine 441 with isoleucine.
Molecular consequence: missense variant.
Genome position (GRCh38, 1-based): chr6:151,405,262, C>T on the plus strand (G>A on the coding strand, the complement: RMND1 is on the minus strand). VCF-style: chr6-151405262-C-T. GRCh37 (hg19) VCF-style: chr6-151726397-C-T.
Other names: c.813G>A, p.Met271Ile (NM_001271937.2); short protein forms M271I, M441I.
Identifiers: ClinVar variation 1360908 (VCV001360908.8), dbSNP rs2114907197, ClinGen allele CA366091707.

ClinVar aggregate classification (germline): Uncertain significance (1 of 4 stars; one submission).

Allele frequency attached by ClinVar (database versions not stated): gnomAD exomes below 0.00001.
gnomAD v4.1: 1 of 1,612,768 alleles (0.000062%); highest among the groups gnomAD compares: East Asian, 0.0022%; no homozygotes.

Submission:

Labcorp Genetics (formerly Invitae), Labcorp
Classification: Uncertain significance. Last evaluated: 2022-05-25. Review status: criteria provided, single submitter. Criteria: Invitae Variant Classification Sherloc (09022015). Collection method: clinical testing. Allele origin: germline.
Comment: In summary, the available evidence is currently insufficient to determine the role of this variant in disease. Therefore, it has been classified as a Variant of Uncertain Significance. Algorithms developed to predict the effect of missense changes on protein structure and function (SIFT, PolyPhen-2, Align-GVGD) all suggest that this variant is likely to be tolerated. This variant has not been reported in the literature in individuals affected with RMND1-related conditions. This variant is not present in population databases (gnomAD no frequency). This sequence change replaces methionine, which is neutral and non-polar, with isoleucine, which is neutral and non-polar, at codon 441 of the RMND1 protein (p.Met441Ile).